The following is an entry in ClinVar:

NM_001134407.3(GRIN2A):c.50T>C (p.Val17Ala)

Gene: GRIN2A (glutamate ionotropic receptor NMDA type subunit 2A; minus strand). Cytogenetic location: 16p13.2.
Variant type: single nucleotide variant.
Coding change: c.50T>C on transcript NM_001134407.3 (MANE Select); coding-DNA position 50, T replaced by C.
Protein change: p.Val17Ala; replaces valine 17 with alanine.
Molecular consequence: missense variant.
Genome position (GRCh38, 1-based): chr16:10,180,362, A>G on the plus strand (T>C on the coding strand, the complement: GRIN2A is on the minus strand). VCF-style: chr16-10180362-A-G. GRCh37 (hg19) VCF-style: chr16-10274219-A-G.
Other names: c.50T>C, p.Val17Ala (NM_000833.5, NM_001134408.2); short protein forms V17A.
Identifiers: ClinVar variation 1359483 (VCV001359483.8), dbSNP rs2050242755, ClinGen allele CA394715826.

ClinVar aggregate classification (germline): Uncertain significance (1 of 4 stars; one submission).

Conditions:
Landau-Kleffner syndrome (FESD). Also called: APHASIA, ACQUIRED, WITH EPILEPSY; EPILEPSY, FOCAL, WITH SPEECH DISORDER AND WITH OR WITHOUT MENTAL RETARDATION. Identifiers: Orphanet 1945, Orphanet 725, Orphanet 98818, MedGen C0282512, MONDO:0009509, OMIM 245570.

Allele frequency attached by ClinVar (database versions not stated): gnomAD exomes below 0.00001; TOPMed below 0.00001; gnomAD 0.00001.
gnomAD v4.1: 4 of 1,608,042 alleles (0.00025%); highest among the groups gnomAD compares: Non-Finnish European, 0.00034%; no homozygotes.

Submission:

Labcorp Genetics (formerly Invitae), Labcorp
Classification: Uncertain significance for Landau-Kleffner syndrome. Last evaluated: 2021-04-23. Review status: criteria provided, single submitter. Criteria: Invitae Variant Classification Sherloc (09022015). Collection method: clinical testing. Allele origin: germline.
Comment: This variant is not present in population databases (ExAC no frequency). This variant has not been reported in the literature in individuals with GRIN2A-related conditions. Advanced modeling of protein sequence and biophysical properties (such as structural, functional, and spatial information, amino acid conservation, physicochemical variation, residue mobility, and thermodynamic stability) performed at Invitae indicates that this missense variant is not expected to disrupt GRIN2A protein function. In summary, the available evidence is currently insufficient to determine the role of this variant in disease. Therefore, it has been classified as a Variant of Uncertain Significance. This sequence change replaces valine with alanine at codon 17 of the GRIN2A protein (p.Val17Ala). The valine residue is weakly conserved and there is a small physicochemical difference between valine and alanine.